The following is an entry in ClinVar:

ClinVar aggregate classification (germline): Uncertain significance. Review status: criteria provided, multiple submitters, no conflicts (2 of 4 stars). 2 submissions from 2 submitters: Uncertain significance (2). Last evaluated 2024-11-12.

Conditions:
Hereditary cancer-predisposing syndrome. Also called: Neoplastic Syndromes, Hereditary; Hereditary Cancer Syndrome; Hereditary neoplastic syndrome; Tumor predisposition. Identifiers: Orphanet 140162, MedGen C0027672, MeSH D009386, MONDO:0015356.
Neurofibromatosis, type 2 (SWNV). Also called: NF2-Related Schwannomatosis; BILATERAL ACOUSTIC NEUROFIBROMATOSIS; SCHWANNOMATOSIS, VESTIBULAR. Identifiers: Orphanet 637, MedGen C0027832, MONDO:0007039, OMIM 101000. Disease mechanism: loss of function.

Submissions (2):

Labcorp Genetics (formerly Invitae), Labcorp
Classification: Uncertain significance for Neurofibromatosis, type 2. Last evaluated: 2024-11-12. Review status: criteria provided, single submitter. Criteria: Invitae Variant Classification Sherloc (09022015). Collection method: clinical testing. Allele origin: germline.
Comment: This sequence change replaces leucine, which is neutral and non-polar, with valine, which is neutral and non-polar, at codon 535 of the NF2 protein (p.Leu535Val). This variant is not present in population databases (gnomAD no frequency). This variant has not been reported in the literature in individuals affected with NF2-related conditions. Invitae Evidence Modeling of protein sequence and biophysical properties (such as structural, functional, and spatial information, amino acid conservation, physicochemical variation, residue mobility, and thermodynamic stability) indicates that this missense variant is not expected to disrupt NF2 protein function with a negative predictive value of 80%. In summary, the available evidence is currently insufficient to determine the role of this variant in disease. Therefore, it has been classified as a Variant of Uncertain Significance.

Ambry Genetics
Classification: Uncertain significance for Hereditary cancer-predisposing syndrome. Last evaluated: 2024-06-10. Review status: criteria provided, single submitter. Criteria: Ambry Variant Classification Scheme 2023. Collection method: clinical testing. Allele origin: germline.

NM_000268.4(NF2):c.1603C>G (p.Leu535Val)

Gene: NF2 (NF2, moesin-ezrin-radixin like (MERLIN) tumor suppressor; plus strand). Cytogenetic location: 22q12.2.
Variant type: single nucleotide variant.
Coding change: c.1603C>G on transcript NM_000268.4 (MANE Select); coding-DNA position 1603, C replaced by G.
Protein change: p.Leu535Val; replaces leucine 535 with valine.
Molecular consequence: missense variant. On other transcripts: intron variant (3).
Genome position (GRCh38, 1-based): chr22:29,681,467, C>G. VCF-style: chr22-29681467-C-G. GRCh37 (hg19) VCF-style: chr22-30077456-C-G.
Other names: c.1489C>G, p.Leu497Val (NM_001407053.1, NM_001407056.1); c.1480C>G, p.Leu494Val (NM_001407054.1, NM_001407058.1, NM_181829.3); c.1477C>G, p.Leu493Val (NM_001407055.1, NM_181828.3); c.1468C>G, p.Leu490Val (NM_001407057.1, NM_001407059.1); c.1345C>G, p.Leu449Val (NM_001407062.1); c.1354C>G, p.Leu452Val (NM_001407063.1, NM_181830.3, NM_181831.3); c.1069C>G, p.Leu357Val (NM_001407065.1); c.1603C>G, p.Leu535Val (NM_001407066.1, NM_016418.5, NM_181825.3 and 1 more transcripts); and 4 more; short protein forms L493V, L497V, L357V, L449V, L458V, L490V, L452V, L494V.
Identifiers: ClinVar variation 3299451 (VCV003299451.3).